The following is an entry in ClinVar:

NM_002691.4(POLD1):c.1243-6C>T

Gene: POLD1 (DNA polymerase delta 1, catalytic subunit; plus strand). Cytogenetic location: 19q13.33.
Variant type: single nucleotide variant.
Coding change: c.1243-6C>T on transcript NM_002691.4 (MANE Select); 6 bases into the intron before coding-DNA position 1243, C replaced by T.
Molecular consequence: intron variant.
Genome position (GRCh38, 1-based): chr19:50,406,176, C>T. VCF-style: chr19-50406176-C-T. GRCh37 (hg19) VCF-style: chr19-50909433-C-T.
Other names: c.1243-6C>T (NM_001256849.1, NM_001308632.1).
Identifiers: ClinVar variation 701102 (VCV000701102.14), dbSNP rs761914051, ClinGen allele CA633683511.

ClinVar aggregate classification (germline): Likely benign. Review status: criteria provided, multiple submitters, no conflicts (2 of 4 stars). 3 submissions from 3 submitters: Likely benign (3). Last evaluated 2025-10-21.

Conditions:
POLD1-related polyposis and colorectal cancer syndrome (CRCS10). Also called: Colorectal cancer, susceptibility to, 10; Colorectal cancer 10; COLORECTAL CANCER, SUSCEPTIBILITY TO, ON CHROMOSOME 19q. Identifiers: Orphanet 220460, MedGen C2675481, MONDO:0012953, OMIM 612591.

Allele frequency attached by ClinVar (database versions not stated): gnomAD 0.00001; TOPMed 0.00001.
gnomAD v4.1: 28 of 1,611,596 alleles (0.0017%); highest among the groups gnomAD compares: East Asian, 0.0045%; no homozygotes.

Submissions (3):

Labcorp Genetics (formerly Invitae), Labcorp
Classification: Likely benign for POLD1-related polyposis and colorectal cancer syndrome. Last evaluated: 2025-10-21. Review status: criteria provided, single submitter. Criteria: Invitae Variant Classification Sherloc (09022015). Collection method: clinical testing. Allele origin: germline.

Quest Diagnostics Nichols Institute San Juan Capistrano
Classification: Likely benign. Last evaluated: 2025-04-08. Review status: criteria provided, single submitter. Criteria: Quest Diagnostics criteria. Collection method: clinical testing. Allele origin: unknown.

Myriad Genetics, Inc.
Classification: Likely benign for POLD1-related polyposis and colorectal cancer syndrome. Last evaluated: 2025-02-06. Review status: criteria provided, single submitter. Criteria: Myriad Autosomal Dominant, Autosomal Recessive and X-Linked Classification Criteria (2023). Collection method: clinical testing. Allele origin: unknown.
Comment: This variant is considered likely benign. This variant is intronic and is not expected to impact mRNA splicing.